The following is an entry in ClinVar:

ClinVar aggregate classification (germline): Benign (0 of 4 stars; one submission).

Conditions:
XIRP2-related disorder. Also called: XIRP2-related condition.

Allele frequency attached by ClinVar (database versions not stated): gnomAD exomes 0.12348; ExAC 0.14844; ESP Exome Variant Server 0.16457; gnomAD 0.17299; TOPMed 0.17562; 1000 Genomes Project 30x 0.19785; 1000 Genomes Project 0.19808.
gnomAD v4.1: 207,475 of 1,613,492 alleles (13%); highest among the groups gnomAD compares: African/African-American, 30%; 15,391 homozygotes.

Submission:

PreventionGenetics, part of Exact Sciences
Classification: Benign for XIRP2-related condition. Last evaluated: 2019-11-06. Review status: no assertion criteria provided. Collection method: clinical testing. Allele origin: germline.
Comment: This variant is classified as benign based on ACMG/AMP sequence variant interpretation guidelines (Richards et al. 2015 PMID: 25741868, with internal and published modifications).

NM_152381.6(XIRP2):c.9589A>G (p.Ile3197Val)

Gene: XIRP2 (xin actin binding repeat containing 2; plus strand). Cytogenetic location: 2q24.3.
Variant type: single nucleotide variant.
Coding change: c.9589A>G on transcript NM_152381.6 (MANE Select); coding-DNA position 9589, A replaced by G.
Protein change: p.Ile3197Val; replaces isoleucine 3197 with valine.
Molecular consequence: missense variant. On other transcripts: intron variant (3).
Genome position (GRCh38, 1-based): chr2:167,250,981, A>G. VCF-style: chr2-167250981-A-G. GRCh37 (hg19) VCF-style: chr2-168107491-A-G.
Other names: c.8923A>G, p.Ile2975Val (NM_001199144.2); c.1276-3051A>G (NM_001199143.2); c.1177-3051A>G (NM_001079810.4); c.511-3051A>G (NM_001199145.2); short protein forms I2975V, I3197V.
Identifiers: ClinVar variation 3055980 (VCV003055980.2), dbSNP rs3749004, ClinGen allele CA1948051.